The following is an entry in ClinVar:

ClinVar aggregate classification (germline): Uncertain significance. Review status: criteria provided, multiple submitters, no conflicts (2 of 4 stars). 2 submissions from 2 submitters: Uncertain significance (2). Last evaluated 2023-12-20.

Allele frequency attached by ClinVar (database versions not stated): gnomAD 0.00001; TOPMed 0.00002; ExAC 0.00007; ESP Exome Variant Server 0.00008.
gnomAD v4.1: 53 of 1,614,058 alleles (0.0033%); highest among the groups gnomAD compares: Non-Finnish European, 0.0034%; no homozygotes.

Submissions (2):

Labcorp Genetics (formerly Invitae), Labcorp
Classification: Uncertain significance. Last evaluated: 2023-12-20. Review status: criteria provided, single submitter. Criteria: Invitae Variant Classification Sherloc (09022015). Collection method: clinical testing. Allele origin: germline.
Comment: This sequence change replaces arginine, which is basic and polar, with histidine, which is basic and polar, at codon 391 of the SLC41A1 protein (p.Arg391His). This variant is present in population databases (rs368438972, gnomAD 0.01%). This variant has not been reported in the literature in individuals affected with SLC41A1-related conditions. ClinVar contains an entry for this variant (Variation ID: 2395902). An algorithm developed to predict the effect of missense changes on protein structure and function (PolyPhen-2) suggests that this variant is likely to be disruptive. In summary, the available evidence is currently insufficient to determine the role of this variant in disease. Therefore, it has been classified as a Variant of Uncertain Significance.

Ambry Genetics
Classification: Uncertain significance. Last evaluated: 2021-08-12. Review status: criteria provided, single submitter. Criteria: Ambry Variant Classification Scheme 2023. Collection method: clinical testing. Allele origin: germline.

NM_173854.6(SLC41A1):c.1172G>A (p.Arg391His)

Gene: SLC41A1 (solute carrier family 41 member 1; minus strand). Cytogenetic location: 1q32.1.
Variant type: single nucleotide variant.
Coding change: c.1172G>A on transcript NM_173854.6 (MANE Select); coding-DNA position 1172, G replaced by A.
Protein change: p.Arg391His; replaces arginine 391 with histidine.
Molecular consequence: missense variant.
Genome position (GRCh38, 1-based): chr1:205,795,379, C>T on the plus strand (G>A on the coding strand, the complement: SLC41A1 is on the minus strand). VCF-style: chr1-205795379-C-T. GRCh37 (hg19) VCF-style: chr1-205764507-C-T.
Other names: short protein forms R391H.
Identifiers: ClinVar variation 2395902 (VCV002395902.5), dbSNP rs368438972, ClinGen allele CA1357199.